The following is an entry in ClinVar:

ClinVar aggregate classification (germline): Uncertain significance (1 of 4 stars; one submission).

Conditions:
ANKRD1-related dilated cardiomyopathy. Identifiers: MedGen CN119551.

Submission:

Labcorp Genetics (formerly Invitae), Labcorp
Classification: Uncertain significance for ANKRD1-related dilated cardiomyopathy. Last evaluated: 2025-05-18. Review status: criteria provided, single submitter. Criteria: Invitae Variant Classification Sherloc (09022015). Collection method: clinical testing. Allele origin: germline.
Comment: This sequence change affects codon 283 of the ANKRD1 mRNA. It is a 'silent' change, meaning that it does not change the encoded amino acid sequence of the ANKRD1 protein. It affects a nucleotide within the consensus splice site. This variant is not present in population databases (gnomAD no frequency). This variant has not been reported in the literature in individuals affected with ANKRD1-related conditions. Algorithms developed to predict the effect of sequence changes on RNA splicing suggest that this variant is not likely to affect RNA splicing. In summary, the available evidence is currently insufficient to determine the role of this variant in disease. Therefore, it has been classified as a Variant of Uncertain Significance.

NM_014391.3(ANKRD1):c.849T>C (p.Cys283=)

Gene: ANKRD1 (ankyrin repeat domain 1; minus strand). Cytogenetic location: 10q23.31.
Variant type: single nucleotide variant.
Coding change: c.849T>C on transcript NM_014391.3 (MANE Select); coding-DNA position 849, T replaced by C.
Protein change: p.Cys283=; no amino-acid change (cysteine 283 retained).
Molecular consequence: synonymous variant.
Genome position (GRCh38, 1-based): chr10:90,915,543, A>G on the plus strand (T>C on the coding strand, the complement: ANKRD1 is on the minus strand). VCF-style: chr10-90915543-A-G. GRCh37 (hg19) VCF-style: chr10-92675300-A-G.
Identifiers: ClinVar variation 4696217 (VCV004696217.1).